The following is an entry in ClinVar:

ClinVar aggregate classification (germline): Uncertain significance. Review status: criteria provided, multiple submitters, no conflicts (2 of 4 stars). 2 submissions from 2 submitters: Uncertain significance (2). Last evaluated 2026-03-05.

Submissions (2):

GeneDx
Classification: Uncertain significance. Last evaluated: 2026-03-05. Review status: criteria provided, single submitter. Criteria: GeneDx Variant Classification Process June 2021. Collection method: clinical testing. Allele origin: germline.
Comment: Not observed at significant frequency in large population cohorts (gnomAD); In silico analysis supports that this missense variant has a deleterious effect on protein structure/function; Has not been previously published as pathogenic or benign to our knowledge

Revvity Omics, Revvity
Classification: Uncertain significance. Last evaluated: 2024-05-14. Review status: criteria provided, single submitter. Criteria: ACMG Guidelines, 2015. Collection method: clinical testing. Allele origin: germline.

NM_007126.5(VCP):c.881A>G (p.Glu294Gly)

Gene: VCP (valosin containing protein; minus strand). Cytogenetic location: 9p13.3.
Variant type: single nucleotide variant.
Coding change: c.881A>G on transcript NM_007126.5 (MANE Select); coding-DNA position 881, A replaced by G.
Protein change: p.Glu294Gly; replaces glutamic acid 294 with glycine.
Molecular consequence: missense variant.
Genome position (GRCh38, 1-based): chr9:35,062,281, T>C on the plus strand (A>G on the coding strand, the complement: VCP is on the minus strand). VCF-style: chr9-35062281-T-C. GRCh37 (hg19) VCF-style: chr9-35062278-T-C.
Other names: c.746A>G, p.Glu249Gly (NM_001354927.2, NM_001354928.2); short protein forms E249G, E294G.
Identifiers: ClinVar variation 4080993 (VCV004080993.2).